The following is an entry in ClinVar:

ClinVar aggregate classification (germline): Uncertain significance. Review status: criteria provided, multiple submitters, no conflicts (2 of 4 stars). 2 submissions from 2 submitters: Uncertain significance (2). Last evaluated 2026-01-02.

Allele frequency attached by ClinVar (database versions not stated): gnomAD exomes 0.00001; gnomAD 0.00002; TOPMed 0.00002.
gnomAD v4.1: 27 of 1,614,018 alleles (0.0017%); highest among the groups gnomAD compares: South Asian, 0.0055%; no homozygotes.

Submissions (2):

Labcorp Genetics (formerly Invitae), Labcorp
Classification: Uncertain significance. Last evaluated: 2026-01-02. Review status: criteria provided, single submitter. Criteria: Invitae Variant Classification Sherloc (09022015). Collection method: clinical testing. Allele origin: germline.
Comment: This sequence change replaces arginine, which is basic and polar, with histidine, which is basic and polar, at codon 567 of the EGF protein (p.Arg567His). This variant is present in population databases (no rsID available, gnomAD 0.006%). This variant has not been reported in the literature in individuals affected with EGF-related conditions. ClinVar contains an entry for this variant (Variation ID: 2176273). An algorithm developed to predict the effect of missense changes on protein structure and function outputs the following: PolyPhen-2: "Possibly Damaging". The histidine amino acid residue is found in multiple mammalian species, which suggests that this missense change does not adversely affect protein function. In summary, the available evidence is currently insufficient to determine the role of this variant in disease. Therefore, it has been classified as a Variant of Uncertain Significance.

Ambry Genetics
Classification: Uncertain significance. Last evaluated: 2024-07-17. Review status: criteria provided, single submitter. Criteria: Ambry Variant Classification Scheme 2023. Collection method: clinical testing. Allele origin: germline.

NM_001963.6(EGF):c.1700G>A (p.Arg567His)

Gene: EGF (epidermal growth factor; plus strand). Cytogenetic location: 4q25.
Variant type: single nucleotide variant.
Coding change: c.1700G>A on transcript NM_001963.6 (MANE Select); coding-DNA position 1700, G replaced by A.
Protein change: p.Arg567His; replaces arginine 567 with histidine.
Molecular consequence: missense variant.
Genome position (GRCh38, 1-based): chr4:109,969,095, G>A. VCF-style: chr4-109969095-G-A. GRCh37 (hg19) VCF-style: chr4-110890251-G-A.
Other names: c.1700G>A, p.Arg567His (NM_001178130.3); c.1574G>A, p.Arg525His (NM_001178131.3, NM_001357021.2); c.1700G>A (NM_001963.4); short protein forms R525H, R567H.
Identifiers: ClinVar variation 2176273 (VCV002176273.5), dbSNP rs1168528444, ClinGen allele CA357882355.